The following is an entry in ClinVar:

NM_000701.8(ATP1A1):c.1780C>T (p.Pro594Ser)

Genes: ATP1A1-AS1 (ATP1A1 antisense RNA 1; minus strand), ATP1A1 (ATPase Na+/K+ transporting subunit alpha 1; plus strand). Cytogenetic location: 1p13.1.
Variant type: single nucleotide variant.
Coding change: c.1780C>T on transcript NM_000701.8 (MANE Select); coding-DNA position 1780, C replaced by T.
Protein change: p.Pro594Ser; replaces proline 594 with serine.
Molecular consequence: missense variant.
Genome position (GRCh38, 1-based): chr1:116,395,229, C>T. VCF-style: chr1-116395229-C-T. GRCh37 (hg19) VCF-style: chr1-116937851-C-T.
Other names: c.1780C>T, p.Pro594Ser (NM_001160233.2); c.1687C>T, p.Pro563Ser (NM_001160234.2); short protein forms P594S, P563S.
Identifiers: ClinVar variation 1461012 (VCV001461012.6), dbSNP rs2101054985, ClinGen allele CA341771600.
Genomic context (GRCh38, chr1:116,395,229, plus strand): 5'-GACGATGTGAATTTCCCTATCGATAATCTGTGCTTTGTTGGGCTCATCTCCATGATTGAC[C>T]CTCCACGGGCGGCCGTTCCTGATGCCGTGGGCAAATGTCGAAGTGCTGGAATTAAGGTAG-3'
Protein context (NP_000692.2, residues 584-604): CFVGLISMID[Pro594Ser]PRAAVPDAVG

ClinVar aggregate classification (germline): Uncertain significance (1 of 4 stars; one submission).

Submission:

Labcorp Genetics (formerly Invitae), Labcorp
Classification: Uncertain significance. Last evaluated: 2021-10-31. Review status: criteria provided, single submitter. Criteria: Invitae Variant Classification Sherloc (09022015). Collection method: clinical testing. Allele origin: germline.
Comment: Algorithms developed to predict the effect of missense changes on protein structure and function are either unavailable or do not agree on the potential impact of this missense change (SIFT: "Deleterious"; PolyPhen-2: "Probably Damaging"; Align-GVGD: "Class C0"). In summary, the available evidence is currently insufficient to determine the role of this variant in disease. Therefore, it has been classified as a Variant of Uncertain Significance. This variant is not present in population databases (gnomAD no frequency). This sequence change replaces proline, which is neutral and non-polar, with serine, which is neutral and polar, at codon 594 of the ATP1A1 protein (p.Pro594Ser). This variant has not been reported in the literature in individuals affected with ATP1A1-related conditions.